The following is an entry in ClinVar:

NM_004656.4(BAP1):c.1621G>T (p.Val541Phe)

Gene: BAP1 (BRCA1 associated deubiquitinase 1; minus strand). Cytogenetic location: 3p21.1.
Variant type: single nucleotide variant.
Coding change: c.1621G>T on transcript NM_004656.4 (MANE Select); coding-DNA position 1621, G replaced by T.
Protein change: p.Val541Phe; replaces valine 541 with phenylalanine.
Molecular consequence: missense variant.
Genome position (GRCh38, 1-based): chr3:52,403,524, C>A on the plus strand (G>T on the coding strand, the complement: BAP1 is on the minus strand). VCF-style: chr3-52403524-C-A. GRCh37 (hg19) VCF-style: chr3-52437540-C-A.
Other names: short protein forms V541F.
Identifiers: ClinVar variation 923601 (VCV000923601.4), dbSNP rs1403009542, ClinGen allele CA353100265.

ClinVar aggregate classification (germline): Uncertain significance (1 of 4 stars; one submission).

Conditions:
Hereditary cancer-predisposing syndrome. Also called: Neoplastic Syndromes, Hereditary; Tumor predisposition; Hereditary Cancer Syndrome; Hereditary neoplastic syndrome. Identifiers: Orphanet 140162, MedGen C0027672, MeSH D009386, MONDO:0015356.

Submission:

Color Diagnostics, LLC DBA Color Health
Classification: Uncertain significance for Hereditary cancer-predisposing syndrome. Last evaluated: 2024-03-06. Review status: criteria provided, single submitter. Criteria: ACMG Guidelines, 2015. Collection method: clinical testing. Allele origin: germline.
Comment: This missense variant replaces valine with phenylalanine at codon 541 of the BAP1 protein. Computational prediction suggests that this variant may not impact protein structure and function (internally defined REVEL score threshold <= 0.5, PMID: 27666373). Splice site prediction tools suggest that this variant may not impact RNA splicing. To our knowledge, functional studies have not been performed for this variant. This variant has not been reported in individuals affected with hereditary cancer in the literature. This variant has not been identified in the general population by the Genome Aggregation Database (gnomAD). The available evidence is insufficient to determine the role of this variant in disease conclusively. Therefore, this variant is classified as a Variant of Uncertain Significance.